The following is an entry in ClinVar:

ClinVar aggregate classification (germline): Uncertain significance (1 of 4 stars; one submission).

Conditions:
Cranioectodermal dysplasia 1 (CED1). Also called: LEVIN SYNDROME I. Identifiers: Orphanet 1515, MedGen C0432235, MONDO:0021093, OMIM 218330.

Submission:

Labcorp Genetics (formerly Invitae), Labcorp
Classification: Uncertain significance for Cranioectodermal dysplasia 1. Last evaluated: 2019-05-14. Review status: criteria provided, single submitter. Criteria: Invitae Variant Classification Sherloc (09022015). Collection method: clinical testing. Allele origin: germline.
Comment: In summary, the available evidence is currently insufficient to determine the role of this variant in disease. Therefore, it has been classified as a Variant of Uncertain Significance. Algorithms developed to predict the effect of missense changes on protein structure and function are either unavailable or do not agree on the potential impact of this missense change (SIFT: "Tolerated"; PolyPhen-2: "Possibly Damaging"; Align-GVGD: "Class C0"). This variant has not been reported in the literature in individuals with IFT122-related conditions. This variant is not present in population databases (ExAC no frequency). This sequence change replaces serine with cysteine at codon 511 of the IFT122 protein (p.Ser511Cys). The serine residue is moderately conserved and there is a moderate physicochemical difference between serine and cysteine.

NM_052989.3(IFT122):c.1378A>T (p.Ser460Cys)

Gene: IFT122 (intraflagellar transport 122; plus strand). Cytogenetic location: 3q21.3.
Variant type: single nucleotide variant.
Coding change: c.1378A>T on transcript NM_052989.3 (MANE Select); coding-DNA position 1378, A replaced by T.
Protein change: p.Ser460Cys; replaces serine 460 with cysteine.
Molecular consequence: missense variant.
Genome position (GRCh38, 1-based): chr3:129,479,812, A>T. VCF-style: chr3-129479812-A-T. GRCh37 (hg19) VCF-style: chr3-129198655-A-T.
Other names: c.1354A>T, p.Ser452Cys (NM_001280541.2); c.928A>T, p.Ser310Cys (NM_001280545.2); c.751A>T, p.Ser251Cys (NM_001280546.2); c.1201A>T, p.Ser401Cys (NM_018262.4); c.1531A>T, p.Ser511Cys (NM_052985.4); c.1045A>T, p.Ser349Cys (NM_052990.3); short protein forms S310C, S401C, S349C, S452C, S460C, S511C, S251C.
Identifiers: ClinVar variation 947166 (VCV000947166.9), dbSNP rs1577642330, ClinGen allele CA354475207.
Genomic context (GRCh38, chr3:129,479,812, plus strand): 5'-GAATTTCCATGCAGAGCTGGGTTTGCTTCCTAGGAGAAACGGCTGCAGTGCCTGTCCTTC[A>T]GCGGAGTGAAGGAGCGGGAGTGGCAGATGGAGTCTCTCATTCGTTACATCAAGGTGATCG-3'
Protein context (NP_443715.1, residues 450-470): QEKRLQCLSF[Ser460Cys]GVKEREWQME